The following is an entry in ClinVar:

NM_001145809.2(MYH14):c.4032+52G>C

Gene: MYH14 (myosin heavy chain 14; plus strand). Cytogenetic location: 19q13.33.
Variant type: single nucleotide variant.
Coding change: c.4032+52G>C on transcript NM_001145809.2 (MANE Select); 52 bases into the intron after coding-DNA position 4032, G replaced by C.
Molecular consequence: intron variant.
Genome position (GRCh38, 1-based): chr19:50,278,341, G>C. VCF-style: chr19-50278341-G-C. GRCh37 (hg19) VCF-style: chr19-50781598-G-C.
Other names: c.3933+52G>C (NM_001077186.2); c.3909+52G>C (NM_024729.4).
Identifiers: ClinVar variation 667669 (VCV000667669.2), dbSNP rs1077990, ClinGen allele CA14745643.

ClinVar aggregate classification (germline): Benign. Review status: criteria provided, multiple submitters, no conflicts (2 of 4 stars). 2 submissions from 2 submitters: Benign (2). Last evaluated 2018-06-14.

Allele frequency attached by ClinVar (database versions not stated): ESP Exome Variant Server 0.10446; TOPMed 0.10487; gnomAD 0.10669; 1000 Genomes Project 30x 0.13976; gnomAD exomes 0.14510; 1000 Genomes Project 0.14517.
gnomAD v4.1: 187,081 of 1,321,530 alleles (14%); highest among the groups gnomAD compares: South Asian, 27%; 14,414 homozygotes.

Submissions (2):

GeneDx
Classification: Benign. Last evaluated: 2018-06-14. Review status: criteria provided, single submitter. Criteria: GeneDx Variant Classification (06012015). Collection method: clinical testing. Allele origin: germline. Affected: yes.
Comment: This variant is considered likely benign or benign based on one or more of the following criteria: it is a conservative change, it occurs at a poorly conserved position in the protein, it is predicted to be benign by multiple in silico algorithms, and/or has population frequency not consistent with disease.

Breakthrough Genomics
Classification: Benign. Review status: criteria provided, single submitter. Criteria: ACMG Guidelines, 2015. Collection method: not provided. Allele origin: germline. Inheritance: Autosomal dominant inheritance. Affected: yes.